The following is an entry in ClinVar:

NM_022765.4(MICAL1):c.1661T>C (p.Leu554Pro)

Gene: MICAL1 (microtubule associated monooxygenase, calponin and LIM domain containing 1; minus strand). Cytogenetic location: 6q21.
Variant type: single nucleotide variant.
Coding change: c.1661T>C on transcript NM_022765.4 (MANE Select); coding-DNA position 1661, T replaced by C.
Protein change: p.Leu554Pro; replaces leucine 554 with proline.
Molecular consequence: missense variant.
Genome position (GRCh38, 1-based): chr6:109,448,735, A>G on the plus strand (T>C on the coding strand, the complement: MICAL1 is on the minus strand). VCF-style: chr6-109448735-A-G. GRCh37 (hg19) VCF-style: chr6-109769938-A-G.
Other names: c.1403T>C, p.Leu468Pro (NM_001159291.2); c.1718T>C, p.Leu573Pro (NM_001286613.2); short protein forms L468P, L573P, L554P.
Identifiers: ClinVar variation 3722612 (VCV003722612.2).
Genomic context (GRCh38, chr6:109,448,735, plus strand): 5'-ATATGCTAACTCCTACACTGAGATCATGAGAGAGAGGTGGGTCTGCCAGGGACTCACAGC[A>G]GGCCAGGCTGCAGCCGGTACACCAGGGCACACAGAGCTAGCCCATCAGCCCAGGAGGAAG-3'
Protein context (NP_073602.3, residues 544-564): CALVYRLQPG[Leu554Pro]LEPSELQGLG

ClinVar aggregate classification (germline): Uncertain significance (1 of 4 stars; one submission).

Submission:

Labcorp Genetics (formerly Invitae), Labcorp
Classification: Uncertain significance. Last evaluated: 2024-10-10. Review status: criteria provided, single submitter. Criteria: Invitae Variant Classification Sherloc (09022015). Collection method: clinical testing. Allele origin: germline.
Comment: This sequence change replaces leucine, which is neutral and non-polar, with proline, which is neutral and non-polar, at codon 573 of the MICAL1 protein (p.Leu573Pro). This variant is not present in population databases (gnomAD no frequency). This variant has not been reported in the literature in individuals affected with MICAL1-related conditions. An algorithm developed to predict the effect of missense changes on protein structure and function (PolyPhen-2) suggests that this variant is likely to be disruptive. In summary, the available evidence is currently insufficient to determine the role of this variant in disease. Therefore, it has been classified as a Variant of Uncertain Significance.